The following is an entry in ClinVar:

ClinVar aggregate classification (germline): Conflicting classifications of pathogenicity. Review status: criteria provided, conflicting classifications (1 of 4 stars). 21 submissions from 20 submitters: Uncertain significance (16); Likely benign (2). 3 of the submissions do not count toward it. Last evaluated 2026-02-17.

Conditions:
BRCA2-related disorder. Also called: BRCA2-related condition; BRCA2-related disorders. Identifiers: MedGen CN239275.
BRCA2-related cancer predisposition. Identifiers: MedGen CN377758, MONDO:0700269.
Wilms tumor 1 (WT1). Also called: Wilms tumor, somatic. Identifiers: Orphanet 654, MedGen CN033288, MONDO:0008679, OMIM 194070.
Prostate cancer. Also called: Malignant tumor of prostate. Identifiers: Orphanet 1331, MedGen C0376358, MONDO:0008315, HP:0012125.
Familial cancer of breast. Also called: BREAST CANCER, FAMILIAL; Hereditary breast cancer; hereditary breast carcinoma. Identifiers: Orphanet 227535, MedGen C0346153, MONDO:0016419, OMIM 114480. Disease mechanism: loss of function.
Fanconi anemia complementation group D1. Also called: BRCA2-Related Fanconi Anemia. Identifiers: Orphanet 319462, MedGen C1838457, MONDO:0011584, OMIM 605724.
Medulloblastoma (MDB). Also called: Medulloblastoma, somatic; MEDULLOBLASTOMA PREDISPOSITION SYNDROME. Identifiers: Orphanet 616, MedGen C0025149, MeSH D008527, MONDO:0007959, OMIM 155255, HP:0002885.
Breast-ovarian cancer, familial, susceptibility to, 2 (BROVCA2). Also called: BRCA2 Hereditary Breast and Ovarian Cancer. Identifiers: Orphanet 145, MedGen C2675520, MONDO:0012933, OMIM 612555. Disease mechanism: loss of function.
Pancreatic cancer, susceptibility to, 2. Identifiers: Orphanet 1333, MedGen C3150546, MONDO:0013235, OMIM 613347.
Glioma susceptibility 3 (GLM3). Also called: Glioblastoma 3. Identifiers: Orphanet 182067, Orphanet 360, MedGen C2751641, MONDO:0013093, OMIM 613029.
Hereditary cancer-predisposing syndrome. Also called: Hereditary Cancer Syndrome; Tumor predisposition; Hereditary neoplastic syndrome; Neoplastic Syndromes, Hereditary. Identifiers: Orphanet 140162, MedGen C0027672, MeSH D009386, MONDO:0015356.
Breast and/or ovarian cancer. Identifiers: MedGen CN221562.
Hereditary breast ovarian cancer syndrome. Also called: Hereditary breast and/or ovarian cancer syndrome; Hereditary breast and ovarian cancer syndrome; Hereditary breast and ovarian cancer syndrome (HBOC); Hereditary breast and ovarian cancer; Breast and ovarian cancer; BRCA1- and BRCA2-Associated Hereditary Breast and Ovarian Cancer. Identifiers: Orphanet 145, MedGen C0677776, MeSH D061325, MONDO:0003582. Disease mechanism: loss of function.

Allele frequency attached by ClinVar (database versions not stated): TOPMed 0.00001; gnomAD exomes 0.00002 and 0.00003; ExAC 0.00004; gnomAD 0.00001.
gnomAD v4.1: 30 of 1,612,100 alleles (0.0019%); highest among the groups gnomAD compares: South Asian, 0.022%; no homozygotes.

Submissions 1 to 7 of 21:

Women's Health and Genetics/Laboratory Corporation of America, LabCorp
Classification: Uncertain significance. Last evaluated: 2026-02-17. Review status: criteria provided, single submitter. Criteria: LabCorp Variant Classification Summary - May 2015. Collection method: clinical testing. Allele origin: germline.
Comment: Variant summary: BRCA2 c.7628A>G (p.Tyr2543Cys) results in a non-conservative amino acid change located in the Breast cancer type 2 susceptibility protein, helical domain (IPR015252) of the encoded protein sequence. Algorithms developed to predict the effect of missense changes on protein structure and function are either unavailable or do not agree on the potential impact of this missense change. The variant allele was found at a frequency of 3.2e-05 in 250888 control chromosomes. The available data on variant occurrences in the general population are insufficient to allow any conclusion about variant significance. c.7628A>G has been observed in individuals affected with breast cancer and colon cancer, without strong evidence for causality (Abulkhair_2018, Tariq_2021, AlHarbi_2023, Abutalib Ali_2025). These reports do not provide unequivocal conclusions about association of the variant with Hereditary Breast And Ovarian Cancer Syndrome. At least one publication reports experimental evidence evaluating an impact on protein function, however, does not allow convincing conclusions about the variant effect (Caleca_2019, Pouliot_2019). The following publications have been ascertained in the context of this evaluation (PMID: 30199306, 30696104, 33773534, 37306523, 31721781, 40257527). ClinVar contains an entry for this variant (Variation ID: 96855). Based on the evidence outlined above, the variant was classified as uncertain significance.

PreventionGenetics, part of Exact Sciences
Classification: Uncertain significance for BRCA2-related condition. Last evaluated: 2026-02-03. Review status: criteria provided, single submitter. Criteria: ACMG Guidelines, 2015. Collection method: clinical testing. Allele origin: germline.
Comment: The BRCA2 c.7628A>G variant is predicted to result in the amino acid substitution p.Tyr2543Cys. This variant has been reported in individuals with breast cancer (Abulkhair et al. 2018. PubMed ID: 30199306; Tariq et al. 2021. PubMed ID: 33773534). This variant is reported in 0.020% of alleles in individuals of South Asian descent in gnomAD and is interpreted as uncertain in ClinVar (Variation ID: 96855). At this time, the clinical significance of this variant is uncertain due to the absence of conclusive functional and genetic evidence.

Labcorp Genetics (formerly Invitae), Labcorp
Classification: Uncertain significance for Hereditary breast ovarian cancer syndrome. Last evaluated: 2025-12-27. Review status: criteria provided, single submitter. Criteria: Invitae Variant Classification Sherloc (09022015). Collection method: clinical testing. Allele origin: germline.
Comment: This sequence change replaces tyrosine, which is neutral and polar, with cysteine, which is neutral and slightly polar, at codon 2543 of the BRCA2 protein (p.Tyr2543Cys). This variant is present in population databases (rs431825354, gnomAD 0.02%). This missense change has been observed in individual(s) with breast cancer and/or colon cancer (PMID: 30199306, 33773534, 35864222, 37306523). ClinVar contains an entry for this variant (Variation ID: 96855). Invitae Evidence Modeling of protein sequence and biophysical properties (such as structural, functional, and spatial information, amino acid conservation, physicochemical variation, residue mobility, and thermodynamic stability) indicates that this missense variant is not expected to disrupt BRCA2 protein function with a negative predictive value of 95%. Experimental studies are conflicting or provide insufficient evidence to determine the effect of this variant on BRCA2 function (PMID: 30696104, 31721781). In summary, the available evidence is currently insufficient to determine the role of this variant in disease. Therefore, it has been classified as a Variant of Uncertain Significance.

German Consortium for Hereditary Breast and Ovarian Cancer, University Hospital Cologne
Classification: Likely benign for Hereditary breast ovarian cancer syndrome. Last evaluated: 2025-09-09. Review status: criteria provided, single submitter. Criteria: ClinGen BRCA2 V1.1.0. Collection method: curation. Allele origin: germline.
Comment: This classification follows the ClinGen ENIGMA BRCA2 v1.1.0 classification scheme; We chose these criteria: PP4 (supporting pathogenic): Combined LR Score 2.58667 (PMID: 31853058), BP4 (supporting benign): BayesDel no-AF score: -0.0180604 SpliceAI: 0, BS1 (supporting benign): FAF non-cancer gAD v2: 0.000085 (FAF > 0.00002), BS3 (strong benign): Sahu: benign moderate (PMID: 39779848) / Huang: benign strong (PMID: 39779857)

Quest Diagnostics Nichols Institute San Juan Capistrano
Classification: Uncertain significance. Last evaluated: 2025-05-09. Review status: criteria provided, single submitter. Criteria: Quest Diagnostics criteria. Collection method: clinical testing. Allele origin: unknown.
Comment: The BRCA2 c.7628A>G (p.Tyr2543Cys) variant has been reported in individuals affected with breast cancer (PMID: 33471991 (2021), 30199306 (2018), see also LOVD) and ovarian cancer (PMID: 35864222 (2022). Functional studies demonstrated that this variant has an inconclusive effect on protein function (PMID: 39779848 (2024), 31721781 (2019), 30696104 (2019)). The frequency of this variant in the general population (Genome Aggregation Database) is uninformative in the assessment of its pathogenicity. Analysis of this variant using bioinformatics tools for the prediction of the effect of amino acid changes on protein structure and function yielded predictions that this variant is benign. Based on the available information, we are unable to determine the clinical significance of this variant.

Revvity Omics, Revvity
Classification: Likely benign. Last evaluated: 2025-03-10. Review status: criteria provided, single submitter. Criteria: ACMG Guidelines, 2015. Collection method: clinical testing. Allele origin: germline.

Ambry Genetics
Classification: Uncertain significance for Hereditary cancer-predisposing syndrome. Last evaluated: 2024-11-13. Review status: criteria provided, single submitter. Criteria: Ambry Variant Classification Scheme 2023. Collection method: clinical testing. Allele origin: germline.
Comment: The p.Y2543C variant (also known as c.7628A>G), located in coding exon 15 of the BRCA2 gene, results from an A to G substitution at nucleotide position 7628. The tyrosine at codon 2543 is replaced by cysteine, an amino acid with highly dissimilar properties. This alteration has been detected in multiple breast cancer cohorts (Abulkhair O et al. J Glob Oncol, 2018 08;4:1-9; Chapman-Davis E et al. J Gen Intern Med, 2021 01;36:35-42; Tariq H et al. Asian Pac J Cancer Prev, 2021 Mar;22:719-724; Yao L et al. J Hum Genet, 2022 Nov;67:639-642). This alteration also demonstrated no effect on BRCA2/DSS1 binding in one functional study (Caleca L et al. Cancers (Basel), 2019 Jan;11). This amino acid position is not well conserved in available vertebrate species. In addition, the in silico prediction for this alteration is inconclusive. Based on the available evidence, the clinical significance of this variant remains unclear.

NM_000059.4(BRCA2):c.7628A>G (p.Tyr2543Cys)

Gene: BRCA2 (BRCA2 DNA repair associated; plus strand). Cytogenetic location: 13q13.1.
Variant type: single nucleotide variant.
Coding change: c.7628A>G on transcript NM_000059.4 (MANE Select); coding-DNA position 7628, A replaced by G.
Protein change: p.Tyr2543Cys; replaces tyrosine 2543 with cysteine.
Molecular consequence: missense variant.
Genome position (GRCh38, 1-based): chr13:32,357,752, A>G. VCF-style: chr13-32357752-A-G. GRCh37 (hg19) VCF-style: chr13-32931889-A-G.
Other names: 7856A>G; short protein forms Y2543C.
Identifiers: ClinVar variation 96855 (VCV000096855.50), dbSNP rs431825354, ClinGen allele CA025199.
Genomic context (GRCh38, chr13:32,357,752, plus strand): 5'-ATGTTTACTTTAAATTGTTTTTCTTTTTTGTGTGTGTTTATTTTGTGTAGCTGTATACGT[A>G]TGGCGTTTCTAAACATTGCATAAAAATTAACAGCAAAAATGCAGAGTCTTTTCAGTTTCA-3'
Protein context (NP_000050.3, residues 2533-2553): SACSHKQLYT[Tyr2543Cys]GVSKHCIKIN